The following is an entry in ClinVar:

NM_001353345.2(SETD1B):c.3442_3444del (p.Ser1148del)

Gene: SETD1B (SET domain containing 1B, histone lysine methyltransferase; plus strand). Cytogenetic location: 12q24.31.
Variant type: Deletion.
Coding change: c.3442_3444del on transcript NM_001353345.2 (MANE Select); coding-DNA positions 3442 to 3444, 3 bases deleted (TCC; older notation c.3442_3444delTCC).
Protein change: p.Ser1148del; deletes serine 1148.
Molecular consequence: inframe deletion.
Genome position (GRCh38, 1-based): chr12:121,819,427-121,819,429, TCC deleted; deleting any 3 consecutive bases within chr12:121,819,425-121,819,429 gives the same sequence; the c. name uses the placement nearest the transcript's 3' end. VCF-style (leftmost placement, unchanged base first): chr12-121819424-ACCT-A. GRCh37 (hg19) VCF-style: chr12-122257330-ACCT-A.
Other names: NM_015048.1:c.3313_3315delTCC; c.3442_3444delTCC (NM_001353345.1); short protein forms S1148del.
Identifiers: ClinVar variation 2367417 (VCV002367417.3), dbSNP rs747431623, ClinGen allele CA6839071.
Genomic context (GRCh38, chr12:121,819,424, plus strand): 5'-CGGGTCCTCAGGCAGCCCCTCGTCTGTGTCCCCCATCCAGAGGAGACAGTGAGCATTGTA[ACCT>A]CCAAGGCCGAAGCCACGTCGTCCAGTGAGAGTTCCGAGTCTTCTGAGTTTGAGTCAAGCT-3'

ClinVar aggregate classification (germline): Likely benign. Review status: criteria provided, single submitter (1 of 4 stars). 2 submissions from 2 submitters: Likely benign (1). 1 of the submissions does not count toward it. Last evaluated 2021-12-14.

Conditions:
Inborn genetic diseases. Identifiers: MedGen C0950123, MeSH D030342.
SETD1B-related disorder. Also called: SETD1B-related condition.

Submissions (2):

Ambry Genetics
Classification: Likely benign for Inborn genetic diseases. Last evaluated: 2021-12-14. Review status: criteria provided, single submitter. Criteria: Ambry Variant Classification Scheme 2023. Collection method: clinical testing. Allele origin: germline.

PreventionGenetics, part of Exact Sciences
Classification: Likely benign for SETD1B-related condition. Last evaluated: 2024-06-21. Review status: no assertion criteria provided. Collection method: clinical testing. Allele origin: germline. Not counted in ClinVar's aggregate classification.
Comment: This variant is classified as likely benign based on ACMG/AMP sequence variant interpretation guidelines (Richards et al. 2015 PMID: 25741868, with internal and published modifications).